The following is an entry in ClinVar:

ClinVar aggregate classification (germline): Uncertain significance. Review status: criteria provided, multiple submitters, no conflicts (2 of 4 stars). 2 submissions from 2 submitters: Uncertain significance (2). Last evaluated 2025-12-22.

Conditions:
Early-infantile DEE. Also called: Early infantile epileptic encephalopathy with suppression bursts; Early infantile epileptic encephalopathy; Ohtahara syndrome. Identifiers: Orphanet 1934, MedGen C0393706, MONDO:0800491.
Inborn genetic diseases. Identifiers: MedGen C0950123, MeSH D030342.

Submissions (2):

Labcorp Genetics (formerly Invitae), Labcorp
Classification: Uncertain significance for Early-infantile DEE. Last evaluated: 2025-12-22. Review status: criteria provided, single submitter. Criteria: Invitae Variant Classification Sherloc (09022015). Collection method: clinical testing. Allele origin: germline.
Comment: This sequence change replaces threonine, which is neutral and polar, with alanine, which is neutral and non-polar, at codon 351 of the SCN8A protein (p.Thr351Ala). This variant is not present in population databases (gnomAD no frequency). This variant has not been reported in the literature in individuals affected with SCN8A-related conditions. ClinVar contains an entry for this variant (Variation ID: 3951002). Invitae Evidence Modeling of protein sequence and biophysical properties (such as structural, functional, and spatial information, amino acid conservation, physicochemical variation, residue mobility, and thermodynamic stability) indicates that this missense variant is expected to disrupt SCN8A protein function with a positive predictive value of 95%. In summary, the available evidence is currently insufficient to determine the role of this variant in disease. Therefore, it has been classified as a Variant of Uncertain Significance.

Ambry Genetics
Classification: Uncertain significance for Inborn genetic diseases. Last evaluated: 2025-08-12. Review status: criteria provided, single submitter. Criteria: Ambry Variant Classification Scheme 2023. Collection method: clinical testing. Allele origin: germline.
Comment: The c.1051A>G (p.T351A) alteration is located in exon 9 (coding exon 8) of the SCN8A gene. This alteration results from an A to G substitution at nucleotide position 1051, causing the threonine (T) at amino acid position 351 to be replaced by an alanine (A). This variant was not reported in population-based cohorts in the Genome Aggregation Database (gnomAD). This amino acid position is highly conserved in available vertebrate species. This missense alteration is located in a region that has a low rate of benign missense variation (Lek, 2016; Firth, 2009). This alteration is predicted to be deleterious by in silico analysis. Based on insufficient or conflicting evidence, the clinical significance of this alteration remains unclear.

NM_001330260.2(SCN8A):c.1051A>G (p.Thr351Ala)

Gene: SCN8A (sodium voltage-gated channel alpha subunit 8; plus strand). Cytogenetic location: 12q13.13.
Variant type: single nucleotide variant.
Coding change: c.1051A>G on transcript NM_001330260.2 (MANE Select); coding-DNA position 1051, A replaced by G.
Protein change: p.Thr351Ala; replaces threonine 351 with alanine.
Molecular consequence: missense variant.
Genome position (GRCh38, 1-based): chr12:51,702,831, A>G. VCF-style: chr12-51702831-A-G. GRCh37 (hg19) VCF-style: chr12-52096615-A-G.
Other names: c.1051A>G, p.Thr351Ala (NM_001177984.3, NM_001369788.1, NM_014191.4); short protein forms T351A.
Identifiers: ClinVar variation 3951002 (VCV003951002.3).